The following is an entry in ClinVar:

NM_152564.5(VPS13B):c.7924T>C (p.Ser2642Pro)

Gene: VPS13B (vacuolar protein sorting 13 homolog B; plus strand). Cytogenetic location: 8q22.2.
Variant type: single nucleotide variant.
Coding change: c.7924T>C on transcript NM_152564.5 (MANE Select); coding-DNA position 7924, T replaced by C.
Protein change: p.Ser2642Pro; replaces serine 2642 with proline.
Molecular consequence: missense variant.
Genome position (GRCh38, 1-based): chr8:99,784,459, T>C. VCF-style: chr8-99784459-T-C. GRCh37 (hg19) VCF-style: chr8-100796687-T-C.
Other names: c.7999T>C, p.Ser2667Pro (NM_017890.5); short protein forms S2642P, S2667P.
Identifiers: ClinVar variation 4994369 (VCV004994369.1).
Genomic context (GRCh38, chr8:99,784,459, plus strand): 5'-GTGGATACTGATGAAAATATTCTGCTGGCGAGTCTCCACAGTCACCAGTACAGCTGGCGC[T>C]CTCACAAATCCCCACAGGTATTTGAGAAACACCCTTACAAACAGCCATTGTTAAGGTTGG-3'
Protein context (NP_689777.3, residues 2632-2652): SLHSHQYSWR[Ser2642Pro]HKSPQLLHIC

ClinVar aggregate classification (germline): Uncertain significance (1 of 4 stars; one submission).

Conditions:
VPS13B-related disorder. Also called: VPS13B-related condition.

gnomAD v4.1: 1 of 1,613,682 alleles (0.000062%); highest among the groups gnomAD compares: Non-Finnish European, 0.000085%; no homozygotes.

Submission:

PreventionGenetics, part of Exact Sciences
Classification: Uncertain significance for VPS13B-related condition. Last evaluated: 2025-09-15. Review status: criteria provided, single submitter. Criteria: ACMG Guidelines, 2015. Collection method: clinical testing. Allele origin: germline.
Comment: The VPS13B c.7924T>C variant is predicted to result in the amino acid substitution p.Ser2642Pro. To our knowledge, this variant has not been reported in the literature or in a large population database (gnomAD), indicating this variant is rare. At this time, the clinical significance of this variant is uncertain due to the absence of conclusive functional and genetic evidence.